The following is an entry in ClinVar:

NM_024596.5(MCPH1):c.2403C>T (p.Ser801=)

Genes: MCPH1 (microcephalin 1; plus strand), MCPH1-AS1 (MCPH1 antisense RNA 1; minus strand). Cytogenetic location: 8p23.1.
Variant type: single nucleotide variant.
Coding change: c.2403C>T on transcript NM_024596.5 (MANE Select); coding-DNA position 2403, C replaced by T.
Protein change: p.Ser801=; no amino-acid change (serine 801 retained).
Molecular consequence: synonymous variant.
Genome position (GRCh38, 1-based): chr8:6,621,642, C>T. VCF-style: chr8-6621642-C-T. GRCh37 (hg19) VCF-style: chr8-6479163-C-T.
Other names: c.2403C>T, p.Ser801= (NM_001322042.2, NM_001363979.1, NM_001410917.1); c.2124C>T, p.Ser708= (NM_001363980.2).
Identifiers: ClinVar variation 1919634 (VCV001919634.29), dbSNP rs968645187, ClinGen allele CA459164958.

ClinVar aggregate classification (germline): Likely benign. Review status: criteria provided, multiple submitters, no conflicts (2 of 4 stars). 2 submissions from 2 submitters: Likely benign (2). Last evaluated 2023-11-25.

Allele frequency attached by ClinVar (database versions not stated): TOPMed 0.00002; gnomAD 0.00004.

Submissions (2):

Labcorp Genetics (formerly Invitae), Labcorp
Classification: Likely benign. Last evaluated: 2023-11-25. Review status: criteria provided, single submitter. Criteria: Invitae Variant Classification Sherloc (09022015). Collection method: clinical testing. Allele origin: germline.

CeGaT Center for Human Genetics Tuebingen
Classification: Likely benign. Last evaluated: 2023-05-01. Review status: criteria provided, single submitter. Criteria: CeGaT Center For Human Genetics Tuebingen Variant Classification Criteria Version 2. Collection method: clinical testing. Allele origin: germline. Affected: yes. Observed: 1 variant allele.
Comment: MCPH1: BP4, BP7